The following is an entry in ClinVar:

ClinVar aggregate classification (germline): Likely pathogenic (1 of 4 stars; one submission).

Conditions:
Alport syndrome. Also called: Hemorrhagic familial nephritis; Hemorrhagic hereditary nephritis; Congenital hereditary hematuria. Identifiers: Orphanet 63, MedGen C1567741, MONDO:0018965.

Submission:

Natera, Inc.
Classification: Likely pathogenic for Alport syndrome. Last evaluated: 2025-03-12. Review status: criteria provided, single submitter. Criteria: Natera Variant Classification Schema (03/2026). Collection method: clinical testing. Allele origin: germline.
Comment: The c.4280G>T variant in COL4A3 is a missense variant predicted to cause substitution of glycine to valine at amino acid 1427. This variant is rare in the general population with a frequency below the threshold expected for the associated phenotype(s). This variant has been observed in one or more individuals affected with the associated recessive disease, as either homozygous or compound heterozygous with a second variant (PMID: 33772369). This variant is located in a functionally critical region of the protein. Computational prediction algorithms indicate this variant is likely to affect gene or protein function. Given the available evidence, this variant is classified as Likely Pathogenic.

Literature cited by the submitters: PubMed 33772369.

NM_000091.5(COL4A3):c.4280G>T (p.Gly1427Val)

Genes: MFF-DT (MFF divergent transcript; minus strand), COL4A3 (collagen type IV alpha 3 chain; plus strand). Cytogenetic location: 2q36.3.
Variant type: single nucleotide variant.
Coding change: c.4280G>T on transcript NM_000091.5 (MANE Select); coding-DNA position 4280, G replaced by T.
Protein change: p.Gly1427Val; replaces glycine 1427 with valine.
Molecular consequence: missense variant.
Genome position (GRCh38, 1-based): chr2:227,307,737, G>T. VCF-style: chr2-227307737-G-T. GRCh37 (hg19) VCF-style: chr2-228172453-G-T.
Other names: short protein forms G1427V.
Identifiers: ClinVar variation 4817264 (VCV004817264.1).